The following is an entry in ClinVar:

ClinVar aggregate classification (germline): Uncertain significance (1 of 4 stars; one submission).

Conditions:
Candidiasis, familial, 9 (CANDF9). Identifiers: Orphanet 1334, MedGen C4225324, MONDO:0014642, OMIM 616445.

gnomAD v4.1: 5 of 1,613,804 alleles (0.00031%); highest among the groups gnomAD compares: Non-Finnish European, 0.00042%; no homozygotes.

Submission:

Labcorp Genetics (formerly Invitae), Labcorp
Classification: Uncertain significance for Candidiasis, familial, 9. Last evaluated: 2024-11-30. Review status: criteria provided, single submitter. Criteria: Invitae Variant Classification Sherloc (09022015). Collection method: clinical testing. Allele origin: germline.
Comment: This sequence change affects codon 497 of the IL17RC mRNA. It is a 'silent' change, meaning that it does not change the encoded amino acid sequence of the IL17RC protein. This variant also falls at the last nucleotide of exon 14, which is part of the consensus splice site for this exon. This variant is not present in population databases (gnomAD no frequency). This variant has not been reported in the literature in individuals affected with IL17RC-related conditions. ClinVar contains an entry for this variant (Variation ID: 1505877). Variants that disrupt the consensus splice site are a relatively common cause of aberrant splicing (PMID: 17576681, 9536098). Algorithms developed to predict the effect of sequence changes on RNA splicing suggest that this variant may disrupt the consensus splice site. In summary, the available evidence is currently insufficient to determine the role of this variant in disease. Therefore, it has been classified as a Variant of Uncertain Significance.

Literature cited by the submitters: PubMed 17576681; PubMed 9536098.

NM_153460.4(IL17RC):c.1278G>C (p.Thr426=)

Gene: IL17RC (interleukin 17 receptor C; plus strand). Cytogenetic location: 3p25.3.
Variant type: single nucleotide variant.
Coding change: c.1278G>C on transcript NM_153460.4 (MANE Select); coding-DNA position 1278, G replaced by C.
Protein change: p.Thr426=; no amino-acid change (threonine 426 retained).
Molecular consequence: synonymous variant. On other transcripts: non-coding transcript variant (1).
Genome position (GRCh38, 1-based): chr3:9,930,149, G>C. VCF-style: chr3-9930149-G-C. GRCh37 (hg19) VCF-style: chr3-9971833-G-C.
Other names: c.1278G>C, p.Thr426= (NM_001203263.2); c.1227G>C, p.Thr409= (NM_001203264.2); c.1182G>C, p.Thr394= (NM_001203265.2); c.1239G>C, p.Thr413= (NM_001367278.1); c.1158G>C, p.Thr386= (NM_001367279.1); c.1233G>C, p.Thr411= (NM_001367280.1, NM_032732.6); c.1491G>C, p.Thr497= (NM_153461.4).
Identifiers: ClinVar variation 1505877 (VCV001505877.6), dbSNP rs769235381, ClinGen allele CA432382694.
Genomic context (GRCh38, chr3:9,930,149, plus strand): 5'-CAGATCCCTCTGTGCCTTGGAACCCAGTGGCTGTACTTCACTACCCAGCAAAGCCTCCAC[G>C]GTTAGGACTGGGCGACCCTCCTCCACAGATCTCTCCAAATGCATCTCACATCTGGCCTCA-3'
Protein context (NP_703190.2, residues 416-436): GCTSLPSKAS[Thr426=]RAARLGEYLL